The following is an entry in ClinVar:

GRCh38/hg38 16p13.3(chr16:46766-168972)x3

Genes: HBA-LCR (alpha-globin locus control region; plus strand), HBM (hemoglobin subunit mu; plus strand), HBZ (hemoglobin subunit zeta; plus strand), MPG (N-methylpurine DNA glycosylase; plus strand), NPRL3 (NPR3 like, GATOR1 complex subunit; minus strand) and 10 more. Cytogenetic location: 16p13.3.
Variant type: copy number gain.
Change: copy number 3 (three copies instead of two) of chr16:46,766-168,972 (122.2 kb, GRCh38 coordinates, 1-based), cytogenetic band 16p13.3.
Identifiers: ClinVar variation 58387 (VCV000058387.1).

ClinVar aggregate classification (germline): Uncertain significance (1 of 4 stars; one submission).

Submission:

ISCA site 4
Classification: Uncertain significance. Last evaluated: 2011-08-12. Review status: criteria provided, single submitter. Criteria: Kaminsky et al. (Genet Med. 2011). Collection method: clinical testing. Allele origin: unknown. Affected: yes. Observed: 1 variant allele.
Comment: Copy number variation identified through the course of routine clinical cytogenomic testing in postnatal populations. Clinical assertions have been curated as described in Kaminsky et al. 2011.